The following is an entry in ClinVar:

NM_012108.4(STAP1):c.634T>A (p.Ser212Thr)

Gene: STAP1 (signal transducing adaptor family member 1; plus strand). Cytogenetic location: 4q13.2.
Variant type: single nucleotide variant.
Coding change: c.634T>A on transcript NM_012108.4 (MANE Select); coding-DNA position 634, T replaced by A.
Protein change: p.Ser212Thr; replaces serine 212 with threonine.
Molecular consequence: missense variant.
Genome position (GRCh38, 1-based): chr4:67,583,677, T>A. VCF-style: chr4-67583677-T-A. GRCh37 (hg19) VCF-style: chr4-68449395-T-A.
Other names: c.634T>A, p.Ser212Thr (NM_001317769.2); short protein forms S212T.
Identifiers: ClinVar variation 3226194 (VCV003226194.1), dbSNP rs2545901284, ClinGen allele CA357053370.
Genomic context (GRCh38, chr4:67,583,677, plus strand): 5'-CAGAAGAACCCTTCTTTGGGAAATATGATCCTGAGGCCTGGTAGTGACAGTAGAAACTAC[T>A]CCATCACTATTCGGCAGGAGATAGAGTATGTTTATTTTTTTTAAATGTATGGAATTTTTA-3'
Protein context (NP_036240.1, residues 202-222): LRPGSDSRNY[Ser212Thr]ITIRQEIDIP

ClinVar aggregate classification (germline): Uncertain significance (1 of 4 stars; one submission).

Submission:

Ambry Genetics
Classification: Uncertain significance. Last evaluated: 2024-02-23. Review status: criteria provided, single submitter. Criteria: Ambry Variant Classification Scheme 2023. Collection method: clinical testing. Allele origin: germline.
Comment: The p.S212T variant (also known as c.634T>A), located in coding exon 6 of the STAP1 gene, results from a T to A substitution at nucleotide position 634. The serine at codon 212 is replaced by threonine, an amino acid with similar properties. This amino acid position is conserved. In addition, the in silico prediction for this alteration is inconclusive. Based on the available evidence, the clinical significance of this alteration remains unclear.